The following is an entry in ClinVar:

ClinVar aggregate classification (germline): Pathogenic (1 of 4 stars; one submission).

Submission:

Labcorp Genetics (formerly Invitae), Labcorp
Classification: Pathogenic. Last evaluated: 2025-05-12. Review status: criteria provided, single submitter. Criteria: Invitae Variant Classification Sherloc (09022015). Collection method: clinical testing. Allele origin: germline.
Comment: This sequence change creates a premature translational stop signal (p.Gln34Asnfs*37) in the SLC24A5 gene. It is expected to result in an absent or disrupted protein product. Loss-of-function variants in SLC24A5 are known to be pathogenic (PMID: 23985994, 26686029). This variant is not present in population databases (gnomAD no frequency). This variant has not been reported in the literature in individuals affected with SLC24A5-related conditions. ClinVar contains an entry for this variant (Variation ID: 2116280). For these reasons, this variant has been classified as Pathogenic.

Literature cited by the submitters: PubMed 23985994; PubMed 26686029.

NM_205850.3(SLC24A5):c.96del (p.Gln34fs)

Gene: SLC24A5 (solute carrier family 24 member 5; plus strand). Cytogenetic location: 15q21.1.
Variant type: Deletion.
Coding change: c.96del on transcript NM_205850.3 (MANE Select); coding-DNA position 96, one base deleted (G; older notation c.96delG).
Protein change: p.Gln34fs; shifts the reading frame from glutamine 34.
Molecular consequence: frameshift variant.
Genome position (GRCh38, 1-based): chr15:48,121,140, G deleted. VCF-style (leftmost placement, unchanged base first): chr15-48121139-TG-T. GRCh37 (hg19) VCF-style: chr15-48413336-TG-T.
Other names: short protein forms Q34fs.
Identifiers: ClinVar variation 2116280 (VCV002116280.4), dbSNP rs2504567974, ClinGen allele CA2580089642.